The following is an entry in ClinVar:

ClinVar aggregate classification (germline): Uncertain significance (1 of 4 stars; one submission).

Conditions:
PCNT-related disorder. Also called: PCNT-related condition.

Submission:

PreventionGenetics, part of Exact Sciences
Classification: Uncertain significance for PCNT-related condition. Last evaluated: 2025-12-09. Review status: criteria provided, single submitter. Criteria: ACMG Guidelines, 2015. Collection method: clinical testing. Allele origin: germline.
Comment: The PCNT c.8490_8492delTGA variant is predicted to result in an in-frame deletion (p.Cys2830_Glu2831delinsTrp). To our knowledge, this variant has not been reported in the literature or in a large population database (gnomAD), indicating this variant is rare. At this time, the clinical significance of this variant is uncertain due to the absence of conclusive functional and genetic evidence.

NM_006031.6(PCNT):c.8490_8492del (p.Cys2830_Glu2831delinsTrp)

Gene: PCNT (pericentrin; plus strand). Cytogenetic location: 21q22.3.
Variant type: Deletion.
Coding change: c.8490_8492del on transcript NM_006031.6 (MANE Select); coding-DNA positions 8490 to 8492, 3 bases deleted (TGA; older notation c.8490_8492delTGA).
Protein change: p.Cys2830_Glu2831delinsTrp.
Molecular consequence: inframe indel.
Genome position (GRCh38, 1-based): chr21:46,431,954-46,431,956, TGA deleted. VCF-style (leftmost placement, unchanged base first): chr21-46431953-GTGA-G. GRCh37 (hg19) VCF-style: chr21-47851867-GTGA-G.
Other names: c.8136_8138del, p.Cys2712_Glu2713delinsTrp (NM_001315529.2).
Identifiers: ClinVar variation 5001293 (VCV005001293.1).